The following is an entry in ClinVar:

ClinVar aggregate classification (germline): Uncertain significance (1 of 4 stars; one submission).

Conditions:
Primary ciliary dyskinesia. Also called: Ciliary dyskinesia. Identifiers: Orphanet 244, MedGen C0008780, MONDO:0016575, HP:0012265.

Submission:

Labcorp Genetics (formerly Invitae), Labcorp
Classification: Uncertain significance for Primary ciliary dyskinesia. Last evaluated: 2022-08-08. Review status: criteria provided, single submitter. Criteria: Invitae Variant Classification Sherloc (09022015). Collection method: clinical testing. Allele origin: germline.
Comment: In summary, the available evidence is currently insufficient to determine the role of this variant in disease. Therefore, it has been classified as a Variant of Uncertain Significance. Algorithms developed to predict the effect of sequence changes on RNA splicing suggest that this variant may disrupt the consensus splice site. This variant has not been reported in the literature in individuals affected with RPGR-related conditions. This variant is not present in population databases (gnomAD no frequency). This sequence change falls in intron 10 of the RPGR gene. It does not directly change the encoded amino acid sequence of the RPGR protein.

NM_001034853.2(RPGR):c.1246-10T>C

Gene: RPGR (retinitis pigmentosa GTPase regulator; minus strand). Cytogenetic location: Xp11.4.
Variant type: single nucleotide variant.
Coding change: c.1246-10T>C on transcript NM_001034853.2 (MANE Select); 10 bases into the intron before coding-DNA position 1246, T replaced by C.
Molecular consequence: intron variant. On other transcripts: non-coding transcript variant (1).
Genome position (GRCh38, 1-based): chrX:38,297,462, A>G on the plus strand (T>C on the coding strand, the complement: RPGR is on the minus strand). VCF-style: chrX-38297462-A-G. GRCh37 (hg19) VCF-style: chrX-38156715-A-G.
Other names: c.1243-10T>C (NM_001367249.1, NM_001367250.1, NM_001367245.1); c.1060-10T>C (NM_001367251.1, NM_001367246.1); c.1246-10T>C (NM_001367247.1, NM_000328.3); c.1276-10T>C (NM_001367248.1).
Identifiers: ClinVar variation 2022567 (VCV002022567.4), dbSNP rs2519823420, ClinGen allele CA2580100937.
Genomic context (GRCh38, chrX:38,297,462, plus strand): 5'-TTCTATTGGAGGTAGTGTTCTCCTCATTGAAAAAGAATCTGGAGACCTCTCCTTTAAAAT[A>G]AGCAGGTTAAACAAACTATTTCATGATGTTATATATTTAATATTGATATAAACTTTCCTA-3'